The following is an entry in ClinVar:

NM_001253852.3(AP4B1):c.1868A>G (p.Asn623Ser)

Genes: AP4B1 (adaptor related protein complex 4 subunit beta 1; minus strand), AP4B1-AS1 (AP4B1 antisense RNA 1; plus strand). Cytogenetic location: 1p13.2.
Variant type: single nucleotide variant.
Coding change: c.1868A>G on transcript NM_001253852.3 (MANE Select); coding-DNA position 1868, A replaced by G.
Protein change: p.Asn623Ser; replaces asparagine 623 with serine.
Molecular consequence: missense variant.
Genome position (GRCh38, 1-based): chr1:113,895,417, T>C on the plus strand (A>G on the coding strand, the complement: AP4B1 is on the minus strand). VCF-style: chr1-113895417-T-C. GRCh37 (hg19) VCF-style: chr1-114438039-T-C.
Other names: c.1571A>G, p.Asn524Ser (NM_001253853.3); c.1364A>G, p.Asn455Ser (NM_001308312.2); c.1868A>G, p.Asn623Ser (NM_006594.5); short protein forms N455S, N524S, N623S.
Identifiers: ClinVar variation 654325 (VCV000654325.6), dbSNP rs201876159, ClinGen allele CA1015682.
Genomic context (GRCh38, chr1:113,895,417, plus strand): 5'-TGATGAGCAACTTTAAGGCTAAGCCAAGTTTTCTCAAAATAATCAGCAGTAAGCTGGCGA[T>C]TGGGGACTAGCATGAGGGCTCCAGAATCAGGGAGTTCTTGTACCCTCTCCTTGTTCTCTT-3'
Protein context (NP_001240781.1, residues 613-633): PDSGALMLVP[Asn623Ser]RQLTADYFEK

ClinVar aggregate classification (germline): Uncertain significance. Review status: criteria provided, multiple submitters, no conflicts (2 of 4 stars). 2 submissions from 2 submitters: Uncertain significance (2). Last evaluated 2024-11-05.

Conditions:
Hereditary spastic paraplegia 47. Also called: CEREBRAL PALSY, SPASTIC QUADRIPLEGIC, 5; Spastic paraplegia 47, autosomal recessive; adaptor protein 4 (AP-4) deficiency syndrome. Identifiers: Orphanet 280763, MedGen C3279738, MONDO:0013551, OMIM 614066.

Allele frequency attached by ClinVar (database versions not stated): ExAC 0.00002; gnomAD exomes 0.00005 and 0.00008; gnomAD 0.00007 and 0.00008; TOPMed 0.00012; 1000 Genomes Project 30x 0.00031.
gnomAD v4.1: 125 of 1,614,194 alleles (0.0077%); highest among the groups gnomAD compares: Admixed American, 0.017%; no homozygotes.

Submissions (2):

Labcorp Genetics (formerly Invitae), Labcorp
Classification: Uncertain significance for Hereditary spastic paraplegia 47. Last evaluated: 2024-11-05. Review status: criteria provided, single submitter. Criteria: Invitae Variant Classification Sherloc (09022015). Collection method: clinical testing. Allele origin: germline.
Comment: This sequence change replaces asparagine, which is neutral and polar, with serine, which is neutral and polar, at codon 623 of the AP4B1 protein (p.Asn623Ser). This variant is present in population databases (rs201876159, gnomAD 0.02%). This variant has not been reported in the literature in individuals affected with AP4B1-related conditions. ClinVar contains an entry for this variant (Variation ID: 654325). Invitae Evidence Modeling of protein sequence and biophysical properties (such as structural, functional, and spatial information, amino acid conservation, physicochemical variation, residue mobility, and thermodynamic stability) indicates that this missense variant is not expected to disrupt AP4B1 protein function with a negative predictive value of 80%. In summary, the available evidence is currently insufficient to determine the role of this variant in disease. Therefore, it has been classified as a Variant of Uncertain Significance.

GeneDx
Classification: Uncertain significance. Last evaluated: 2023-09-15. Review status: criteria provided, single submitter. Criteria: GeneDx Variant Classification Process June 2021. Collection method: clinical testing. Allele origin: germline. Affected: yes.
Comment: In silico analysis supports that this missense variant does not alter protein structure/function; Has not been previously published as pathogenic or benign to our knowledge